The following is an entry in ClinVar:

ClinVar aggregate classification (germline): Benign/Likely benign. Review status: criteria provided, multiple submitters, no conflicts (2 of 4 stars). 2 submissions from 2 submitters: Benign (1); Likely benign (1). Last evaluated 2026-01-21.

Allele frequency attached by ClinVar (database versions not stated): gnomAD exomes 0.00028 and 0.00140; ESP Exome Variant Server 0.00054; gnomAD 0.00068 and 0.00070; 1000 Genomes Project 0.00100; TOPMed 0.00105; 1000 Genomes Project 30x 0.00125; ExAC 0.00223.
gnomAD v4.1: 641 of 1,540,200 alleles (0.042%); highest among the groups gnomAD compares: East Asian, 0.94%; 12 homozygotes.

Submissions (2):

Labcorp Genetics (formerly Invitae), Labcorp
Classification: Benign. Last evaluated: 2026-01-21. Review status: criteria provided, single submitter. Criteria: Invitae Variant Classification Sherloc (09022015). Collection method: clinical testing. Allele origin: germline.

CeGaT Center for Human Genetics Tuebingen
Classification: Likely benign. Last evaluated: 2025-05-01. Review status: criteria provided, single submitter. Criteria: CeGaT Center For Human Genetics Tuebingen Variant Classification Criteria Version 2. Collection method: clinical testing. Allele origin: germline. Affected: yes. Observed: 1 variant allele.
Comment: PDE2A: BP4, BS2

NM_002599.5(PDE2A):c.658G>T (p.Gly220Trp)

Gene: PDE2A (phosphodiesterase 2A; minus strand). Cytogenetic location: 11q13.4.
Variant type: single nucleotide variant.
Coding change: c.658G>T on transcript NM_002599.5 (MANE Select); coding-DNA position 658, G replaced by T.
Protein change: p.Gly220Trp; replaces glycine 220 with tryptophan.
Molecular consequence: missense variant.
Genome position (GRCh38, 1-based): chr11:72,590,472, C>A on the plus strand (G>T on the coding strand, the complement: PDE2A is on the minus strand). VCF-style: chr11-72590472-C-A. GRCh37 (hg19) VCF-style: chr11-72301516-C-A.
Other names: c.637G>T, p.Gly213Trp (NM_001143839.4); c.631G>T, p.Gly211Trp (NM_001146209.3); c.595G>T, p.Gly199Trp (NM_001243784.2); short protein forms G213W, G220W, G199W, G211W.
Identifiers: ClinVar variation 719159 (VCV000719159.19), dbSNP rs200392115, ClinGen allele CA6172500.